The following is an entry in ClinVar:

ClinVar aggregate classification (germline): Conflicting classifications of pathogenicity. Review status: criteria provided, conflicting classifications (1 of 4 stars). 4 submissions from 4 submitters: Uncertain significance (1); Likely benign (3). Last evaluated 2026-08-10.

Conditions:
Hereditary sensory neuropathy-deafness-dementia syndrome. Also called: HSN IE; NEUROPATHY, HEREDITARY SENSORY, WITH HEARING LOSS AND DEMENTIA; Hereditary Sensory and Autonomic Neuropathy Type 1E (HSAN1E); Hereditary sensory neuropathy type IE. Identifiers: Orphanet 456318, MedGen C3279885, MONDO:0013584, OMIM 614116.
DNMT1-related disorder. Also called: DNMT1-related condition. Identifiers: MedGen CN381527.

Allele frequency attached by ClinVar (database versions not stated): TOPMed 0.00005; gnomAD 0.00006.
gnomAD v4.1: 36 of 1,613,290 alleles (0.0022%); highest among the groups gnomAD compares: Admixed American, 0.032%; no homozygotes.

Submissions (4):

PreventionGenetics, part of Exact Sciences
Classification: Likely benign for DNMT1-related condition. Last evaluated: 2026-08-10. Review status: criteria provided, single submitter. Criteria: ACMG Guidelines, 2015. Collection method: clinical testing. Allele origin: germline.
Comment: This variant is classified as likely benign based on ACMG/AMP sequence variant interpretation guidelines (Richards et al. 2015 PMID: 25741868, with internal and published modifications).

Labcorp Genetics (formerly Invitae), Labcorp
Classification: Likely benign for Hereditary sensory neuropathy-deafness-dementia syndrome. Last evaluated: 2024-11-08. Review status: criteria provided, single submitter. Criteria: Invitae Variant Classification Sherloc (09022015). Collection method: clinical testing. Allele origin: germline.

Blueprint Genetics
Classification: Likely benign. Last evaluated: 2023-03-08. Review status: criteria provided, single submitter. Criteria: ACMG Guidelines, 2015. Collection method: clinical testing. Allele origin: germline.

Eurofins Ntd Llc (ga)
Classification: Uncertain significance. Last evaluated: 2018-09-12. Review status: criteria provided, single submitter. Criteria: EGL ClinVar v180209 classification definitions. Collection method: clinical testing. Allele origin: germline. Observed: 1 variant allele, 1 heterozygote.

NM_001130823.3(DNMT1):c.1314C>T (p.Ile438=)

Gene: DNMT1 (DNA methyltransferase 1; minus strand). Cytogenetic location: 19p13.2.
Variant type: single nucleotide variant.
Coding change: c.1314C>T on transcript NM_001130823.3 (MANE Select); coding-DNA position 1314, C replaced by T.
Protein change: p.Ile438=; no amino-acid change (isoleucine 438 retained).
Molecular consequence: synonymous variant.
Genome position (GRCh38, 1-based): chr19:10,156,476, G>A on the plus strand (C>T on the coding strand, the complement: DNMT1 is on the minus strand). VCF-style: chr19-10156476-G-A. GRCh37 (hg19) VCF-style: chr19-10267152-G-A.
Other names: c.1314C>T (NM_001130823.2); c.1266C>T, p.Ile422= (NM_001318730.2, NM_001379.4); c.951C>T, p.Ile317= (NM_001318731.2).
Identifiers: ClinVar variation 598628 (VCV000598628.17), dbSNP rs201487376, ClinGen allele CA9188321.
Genomic context (GRCh38, chr19:10,156,476, plus strand): 5'-GATTGGTTTTGCTGAACCAGAAAAGAAGAGTTCGATATTCTTCTCGATGAGGCCGGTGTC[G>A]ATGGGACACAGGTGACCGTGCTTACAGTACACACTAGACAGGAAACAAAGCACATGCTTA-3'
Protein context (NP_001124295.1, residues 428-448): VYCKHGHLCP[Ile438=]DTGLIEKNIE